The following is an entry in ClinVar:

NM_000138.5(FBN1):c.5968C>T (p.Gln1990Ter)

Gene: FBN1 (fibrillin 1; minus strand). Cytogenetic location: 15q21.1.
Variant type: single nucleotide variant.
Coding change: c.5968C>T on transcript NM_000138.5 (MANE Select); coding-DNA position 5968, C replaced by T.
Protein change: p.Gln1990Ter; replaces glutamine 1990 with a stop codon.
Molecular consequence: nonsense.
Genome position (GRCh38, 1-based): chr15:48,444,610, G>A on the plus strand (C>T on the coding strand, the complement: FBN1 is on the minus strand). VCF-style: chr15-48444610-G-A. GRCh37 (hg19) VCF-style: chr15-48736807-G-A.
Other names: c.5968C>T, p.Gln1990Ter (NM_001406716.1); short protein forms Q1990*.
Identifiers: ClinVar variation 3757845 (VCV003757845.2).
Genomic context (GRCh38, chr15:48,444,610, plus strand): 5'-TCTCATTTTGAAGACTGTATCCAGGTGGGCAAATGCATCTGTAGGACCCATCCAAGTTTT[G>A]ACAGGTACCTGGTGCACATTTTCTGGGTTCTAGAAGACATTCATTGATATCTGCAAAGAA-3'

ClinVar aggregate classification (germline): Pathogenic (1 of 4 stars; one submission).

Conditions:
Marfan syndrome (MFS). Also called: MARFAN SYNDROME, TYPE I; Marfan syndrome type 1; Marfan's syndrome; Marfan syndrome, classic; FBN1-Related Marfan Syndrome. Identifiers: Orphanet 284963, Orphanet 558, MedGen C0024796, MONDO:0007947, OMIM 154700.
Familial thoracic aortic aneurysm and aortic dissection (TAAD). Also called: Thoracic aortic aneurysms and dissections. Identifiers: Orphanet 91387, MedGen C4707243, MONDO:0019625.

Submission:

Labcorp Genetics (formerly Invitae), Labcorp
Classification: Pathogenic for Marfan syndrome; Familial thoracic aortic aneurysm and aortic dissection. Last evaluated: 2024-11-14. Review status: criteria provided, single submitter. Criteria: Invitae Variant Classification Sherloc (09022015). Collection method: clinical testing. Allele origin: germline.
Comment: This sequence change creates a premature translational stop signal (p.Gln1990*) in the FBN1 gene. It is expected to result in an absent or disrupted protein product. Loss-of-function variants in FBN1 are known to be pathogenic (PMID: 17657824, 19293843). This variant is not present in population databases (gnomAD no frequency). This variant has not been reported in the literature in individuals affected with FBN1-related conditions. For these reasons, this variant has been classified as Pathogenic.

Literature cited by the submitters: PubMed 17657824; PubMed 19293843.